The following is an entry in ClinVar:

NM_032447.5(FBN3):c.1691C>T (p.Ala564Val)

Gene: FBN3 (fibrillin 3; minus strand). Cytogenetic location: 19p13.2.
Variant type: single nucleotide variant.
Coding change: c.1691C>T on transcript NM_032447.5 (MANE Select); coding-DNA position 1691, C replaced by T.
Protein change: p.Ala564Val; replaces alanine 564 with valine.
Molecular consequence: missense variant.
Genome position (GRCh38, 1-based): chr19:8,133,007, G>A on the plus strand (C>T on the coding strand, the complement: FBN3 is on the minus strand). VCF-style: chr19-8133007-G-A. GRCh37 (hg19) VCF-style: chr19-8197891-G-A.
Other names: c.1691C>T, p.Ala564Val (NM_001321431.2); short protein forms A564V.
Identifiers: ClinVar variation 2386588 (VCV002386588.3), dbSNP rs768684359, ClinGen allele CA9153211.

ClinVar aggregate classification (germline): Uncertain significance. Review status: criteria provided, multiple submitters, no conflicts (2 of 4 stars). 2 submissions from 2 submitters: Uncertain significance (2). Last evaluated 2025-05-26.

Allele frequency attached by ClinVar (database versions not stated): gnomAD 0.00001; gnomAD exomes 0.00001; ExAC 0.00003.
gnomAD v4.1: 19 of 1,573,456 alleles (0.0012%); highest among the groups gnomAD compares: Admixed American, 0.0037%; no homozygotes.

Submissions (2):

Labcorp Genetics (formerly Invitae), Labcorp
Classification: Uncertain significance. Last evaluated: 2025-05-26. Review status: criteria provided, single submitter. Criteria: Invitae Variant Classification Sherloc (09022015). Collection method: clinical testing. Allele origin: germline.
Comment: This sequence change replaces alanine, which is neutral and non-polar, with valine, which is neutral and non-polar, at codon 564 of the FBN3 protein (p.Ala564Val). The frequency data for this variant in the population databases is considered unreliable, as metrics indicate poor data quality at this position in the gnomAD database. This variant has not been reported in the literature in individuals affected with FBN3-related conditions. ClinVar contains an entry for this variant (Variation ID: 2386588). Invitae Evidence Modeling of protein sequence and biophysical properties (such as structural, functional, and spatial information, amino acid conservation, physicochemical variation, residue mobility, and thermodynamic stability) indicates that this missense variant is not expected to disrupt FBN3 protein function with a negative predictive value of 80%. In summary, the available evidence is currently insufficient to determine the role of this variant in disease. Therefore, it has been classified as a Variant of Uncertain Significance.

Ambry Genetics
Classification: Uncertain significance. Last evaluated: 2022-05-26. Review status: criteria provided, single submitter. Criteria: Ambry Variant Classification Scheme 2023. Collection method: clinical testing. Allele origin: germline.